The following is an entry in ClinVar:

NM_005359.6(SMAD4):c.793A>G (p.Thr265Ala)

Gene: SMAD4 (SMAD family member 4; plus strand). Cytogenetic location: 18q21.2.
Variant type: single nucleotide variant.
Coding change: c.793A>G on transcript NM_005359.6 (MANE Select); coding-DNA position 793, A replaced by G.
Protein change: p.Thr265Ala; replaces threonine 265 with alanine.
Molecular consequence: missense variant.
Genome position (GRCh38, 1-based): chr18:51,058,345, A>G. VCF-style: chr18-51058345-A-G. GRCh37 (hg19) VCF-style: chr18-48584715-A-G.
Other names: short protein forms T265A.
Identifiers: ClinVar variation 953545 (VCV000953545.9), dbSNP rs1909898754, ClinGen allele CA402463269.

ClinVar aggregate classification (germline): Uncertain significance (1 of 4 stars; one submission).

Conditions:
Juvenile polyposis syndrome (JPS). Identifiers: Orphanet 2929, MedGen C0345893, MONDO:0017380, OMIM 174900.

Allele frequency attached by ClinVar (database versions not stated): gnomAD exomes below 0.00001.
gnomAD v4.1: 1 of 1,614,096 alleles (0.000062%); highest among the groups gnomAD compares: South Asian, 0.0011%; no homozygotes.

Submission:

Labcorp Genetics (formerly Invitae), Labcorp
Classification: Uncertain significance for Juvenile polyposis syndrome. Last evaluated: 2025-01-13. Review status: criteria provided, single submitter. Criteria: Invitae Variant Classification Sherloc (09022015). Collection method: clinical testing. Allele origin: germline.
Comment: This sequence change replaces threonine, which is neutral and polar, with alanine, which is neutral and non-polar, at codon 265 of the SMAD4 protein (p.Thr265Ala). This variant is not present in population databases (gnomAD no frequency). This variant has not been reported in the literature in individuals affected with SMAD4-related conditions. ClinVar contains an entry for this variant (Variation ID: 953545). Invitae Evidence Modeling of protein sequence and biophysical properties (such as structural, functional, and spatial information, amino acid conservation, physicochemical variation, residue mobility, and thermodynamic stability) indicates that this missense variant is not expected to disrupt SMAD4 protein function with a negative predictive value of 95%. In summary, the available evidence is currently insufficient to determine the role of this variant in disease. Therefore, it has been classified as a Variant of Uncertain Significance.